The following is an entry in ClinVar:

NM_001378120.1(MBD5):c.4749T>C (p.Pro1583=)

Gene: MBD5 (methyl-CpG binding domain protein 5; plus strand). Cytogenetic location: 2q23.1.
Variant type: single nucleotide variant.
Coding change: c.4749T>C on transcript NM_001378120.1 (MANE Select); coding-DNA position 4749, T replaced by C.
Protein change: p.Pro1583=; no amino-acid change (proline 1583 retained).
Molecular consequence: synonymous variant.
Genome position (GRCh38, 1-based): chr2:148,490,381, T>C. VCF-style: chr2-148490381-T-C. GRCh37 (hg19) VCF-style: chr2-149247950-T-C.
Other names: c.4050T>C, p.Pro1350= (NM_018328.5).
Identifiers: ClinVar variation 388433 (VCV000388433.9), dbSNP rs1057523104, ClinGen allele CA16603917.
Genomic context (GRCh38, chr2:148,490,381, plus strand): 5'-CAAAGACTACATCCATTACAATGGAGACTTTAATGCCAAAAGCGTTAATGGGTGTGTGCC[T>C]AGCCCTTCAGATGCTAAAAGCATTAGTAGTGAAGATGACCTAAGGAACCCAGACTCCCCC-3'
Protein context (NP_001365049.1, residues 1573-1593): FNAKSVNGCV[Pro1583=]SPSDAKSISS

ClinVar aggregate classification (germline): Likely benign. Review status: criteria provided, multiple submitters, no conflicts (2 of 4 stars). 2 submissions from 2 submitters: Likely benign (2). Last evaluated 2025-12-21.

Conditions:
Intellectual developmental disorder, autosomal dominant 1. Also called: MBD5 Haploinsufficiency; Intellectual disability, autosomal dominant 1. Identifiers: Orphanet 228402, MedGen C1969562, MONDO:0007974, OMIM 156200.

Allele frequency attached by ClinVar (database versions not stated): gnomAD exomes below 0.00001.
gnomAD v4.1: 3 of 1,614,176 alleles (0.00019%); highest among the groups gnomAD compares: Admixed American, 0.0017%; no homozygotes.

Submissions (2):

Labcorp Genetics (formerly Invitae), Labcorp
Classification: Likely benign for Intellectual developmental disorder, autosomal dominant 1. Last evaluated: 2025-12-21. Review status: criteria provided, single submitter. Criteria: Invitae Variant Classification Sherloc (09022015). Collection method: clinical testing. Allele origin: germline.

GeneDx
Classification: Likely benign. Last evaluated: 2016-08-11. Review status: criteria provided, single submitter. Criteria: GeneDx Variant Classification (06012015). Collection method: clinical testing. Allele origin: germline. Affected: yes.
Comment: This variant is considered likely benign or benign based on one or more of the following criteria: it is a conservative change, it occurs at a poorly conserved position in the protein, it is predicted to be benign by multiple in silico algorithms, and/or has population frequency not consistent with disease.